The following is an entry in ClinVar:

NM_152296.5(ATP1A3):c.607-3del

Gene: ATP1A3 (ATPase Na+/K+ transporting subunit alpha 3; minus strand). Cytogenetic location: 19q13.2.
Variant type: Deletion.
Coding change: c.607-3del on transcript NM_152296.5 (MANE Select); 3 bases into the intron before coding-DNA position 607, one base deleted (C; older notation c.607-3delC).
Molecular consequence: intron variant.
Genome position (GRCh38, 1-based): chr19:41,985,426, G deleted on the plus strand (C on the coding strand, the reverse complement: ATP1A3 is on the minus strand); the first of 5 consecutive G bases (chr19:41,985,426-41,985,430); deleting any one gives the same sequence. VCF-style (leftmost placement, unchanged base first): chr19-41985425-TG-T. GRCh37 (hg19) VCF-style: chr19-42489577-TG-T.
Other names: c.646-3delC (NM_001256214.1); c.646-3del (NM_001256214.2); c.640-3del (NM_001256213.2); c.607-3del (NM_152296.4).
Identifiers: ClinVar variation 468606 (VCV000468606.12), dbSNP rs781995257, ClinGen allele CA9467824.

ClinVar aggregate classification (germline): Benign/Likely benign. Review status: criteria provided, multiple submitters, no conflicts (2 of 4 stars). 2 submissions from 2 submitters: Benign (1); Likely benign (1). Last evaluated 2026-05-12.

Conditions:
ATP1A3-related disorder. Also called: ATP1A3-related condition; ATP1A3-related disorders. Identifiers: MedGen CN381097.
Dystonia 12 (DYT12). Also called: DYT-ATP1A3; Rapid-Onset Dystonia-Parkinsonism (RDP). Identifiers: Orphanet 71517, MedGen C1868681, MONDO:0007496, OMIM 128235.

Submissions (2):

PreventionGenetics, part of Exact Sciences
Classification: Likely benign for ATP1A3-related condition. Last evaluated: 2026-05-12. Review status: criteria provided, single submitter. Criteria: ACMG Guidelines, 2015. Collection method: clinical testing. Allele origin: germline.
Comment: This variant is classified as likely benign based on ACMG/AMP sequence variant interpretation guidelines (Richards et al. 2015 PMID: 25741868, with internal and published modifications).

Labcorp Genetics (formerly Invitae), Labcorp
Classification: Benign for Dystonia 12. Last evaluated: 2025-12-21. Review status: criteria provided, single submitter. Criteria: Invitae Variant Classification Sherloc (09022015). Collection method: clinical testing. Allele origin: germline.